The following is an entry in ClinVar:

ClinVar aggregate classification (germline): Likely benign (1 of 4 stars; one submission).

Allele frequency attached by ClinVar (database versions not stated): 1000 Genomes Project 30x 0.00031; 1000 Genomes Project 0.00040; TOPMed 0.00154; ESP Exome Variant Server 0.00177; ExAC 0.00213; gnomAD 0.00239.
gnomAD v4.1: 4,464 of 1,613,876 alleles (0.28%); highest among the groups gnomAD compares: Non-Finnish European, 0.3%; 11 homozygotes.

Submission:

CeGaT Center for Human Genetics Tuebingen
Classification: Likely benign. Last evaluated: 2022-11-01. Review status: criteria provided, single submitter. Criteria: CeGaT Center For Human Genetics Tuebingen Variant Classification Criteria Version 2. Collection method: clinical testing. Allele origin: germline. Affected: yes. Observed: 1 variant allele.
Comment: SORT1: BS2

NM_002959.7(SORT1):c.904A>G (p.Lys302Glu)

Gene: SORT1 (sortilin 1; minus strand). Cytogenetic location: 1p13.3.
Variant type: single nucleotide variant.
Coding change: c.904A>G on transcript NM_002959.7 (MANE Select); coding-DNA position 904, A replaced by G.
Protein change: p.Lys302Glu; replaces lysine 302 with glutamic acid.
Molecular consequence: missense variant.
Genome position (GRCh38, 1-based): chr1:109,345,810, T>C on the plus strand (A>G on the coding strand, the complement: SORT1 is on the minus strand). VCF-style: chr1-109345810-T-C. GRCh37 (hg19) VCF-style: chr1-109888432-T-C.
Other names: c.493A>G, p.Lys165Glu (NM_001205228.2); short protein forms K165E, K302E.
Identifiers: ClinVar variation 2638980 (VCV002638980.24), dbSNP rs141749679, ClinGen allele CA990015.
Genomic context (GRCh38, chr1:109,345,810, plus strand): 5'-CCTTATCAGCCATCACAGAGGCAAAAAGGAAACGTCCCCCAAGACCAAATGAGTAGATTT[T>C]CACACCAATAGTTTTGAAGCTTTTTCCCAAGTCTGAAGTTCTCCATAATTCCAGAGCCCC-3'
Protein context (NP_002950.3, residues 292-312): LGKSFKTIGV[Lys302Glu]IYSFGLGGRF